The following is an entry in ClinVar:

ClinVar aggregate classification (germline): Uncertain significance (1 of 4 stars; one submission).

Conditions:
Inborn genetic diseases. Identifiers: MedGen C0950123, MeSH D030342.

Submission:

Ambry Genetics
Classification: Uncertain significance for Inborn genetic diseases. Last evaluated: 2025-06-21. Review status: criteria provided, single submitter. Criteria: Ambry Variant Classification Scheme 2023. Collection method: clinical testing. Allele origin: germline.
Comment: The p.M137I variant (also known as c.411G>A), located in coding exon 1 of the SAMD9L gene, results from a G to A substitution at nucleotide position 411. The methionine at codon 137 is replaced by isoleucine, an amino acid with highly similar properties. This amino acid position is conserved. In addition, this alteration is predicted to be tolerated by in silico analysis. Based on the available evidence, the clinical significance of this variant remains unclear.

NM_152703.5(SAMD9L):c.411G>A (p.Met137Ile)

Gene: SAMD9L (sterile alpha motif domain containing 9 like; minus strand). Cytogenetic location: 7q21.2.
Variant type: single nucleotide variant.
Coding change: c.411G>A on transcript NM_152703.5 (MANE Select); coding-DNA position 411, G replaced by A.
Protein change: p.Met137Ile; replaces methionine 137 with isoleucine.
Molecular consequence: missense variant.
Genome position (GRCh38, 1-based): chr7:93,135,561, C>T on the plus strand (G>A on the coding strand, the complement: SAMD9L is on the minus strand). VCF-style: chr7-93135561-C-T. GRCh37 (hg19) VCF-style: chr7-92764874-C-T.
Other names: c.411G>A, p.Met137Ile (NM_001303496.3, NM_001303497.3, NM_001303498.3 and 5 more transcripts); short protein forms M137I.
Identifiers: ClinVar variation 4159252 (VCV004159252.1).
Genomic context (GRCh38, chr7:93,135,561, plus strand): 5'-TTTTAGCTTACCCTTTTTCTTGTGTTTAGCATTTGCTACTTCATCTAACACATTTTCTTT[C>T]ATAAGAATTGATTCTTCTTGTTTGATATCTCTGATCTCTCTGGGATCATAATCAATATTA-3'
Protein context (NP_689916.2, residues 127-147): RDIKQEESIL[Met137Ile]KENVLDEVAN